The following is an entry in ClinVar:

ClinVar aggregate classification (germline): Conflicting classifications of pathogenicity. Review status: criteria provided, conflicting classifications (1 of 4 stars). 2 submissions from 2 submitters: Likely pathogenic (1); Uncertain significance (1). Last evaluated 2024-03-28.

Conditions:
Neutral lipid storage myopathy (NLSDM). Also called: NEUTRAL LIPID STORAGE DISEASE WITHOUT ICHTHYOSIS. Identifiers: Orphanet 98908, MedGen C1853136, MONDO:0012545, OMIM 610717.

Allele frequency attached by ClinVar (database versions not stated): gnomAD exomes below 0.00001; ExAC 0.00002.
gnomAD v4.1: 6 of 1,613,898 alleles (0.00037%); highest among the groups gnomAD compares: South Asian, 0.0055%; no homozygotes.

Submissions (2):

Labcorp Genetics (formerly Invitae), Labcorp
Classification: Likely pathogenic for Neutral lipid storage myopathy. Last evaluated: 2024-03-28. Review status: criteria provided, single submitter. Criteria: Invitae Variant Classification Sherloc (09022015). Collection method: clinical testing. Allele origin: germline.
Comment: This sequence change replaces aspartic acid, which is acidic and polar, with glycine, which is neutral and non-polar, at codon 166 of the PNPLA2 protein (p.Asp166Gly). This variant is present in population databases (rs121908832, gnomAD 0.006%). This missense change has been observed in individuals with clinical features of neutral lipid storage disease with myopathy (PMID: 21170305, 25287355, 26922712; Invitae). ClinVar contains an entry for this variant (Variation ID: 2136948). Advanced modeling of protein sequence and biophysical properties (such as structural, functional, and spatial information, amino acid conservation, physicochemical variation, residue mobility, and thermodynamic stability) performed at Invitae indicates that this missense variant is expected to disrupt PNPLA2 protein function with a positive predictive value of 80%. Experimental studies have shown that this missense change affects PNPLA2 function (PMID: 21170305, 22990388, 25287355). Algorithms developed to predict the effect of sequence changes on RNA splicing suggest that this variant may create or strengthen a splice site. In summary, the currently available evidence indicates that the variant is pathogenic, but additional data are needed to prove that conclusively. Therefore, this variant has been classified as Likely Pathogenic.

GeneDx
Classification: Uncertain significance. Last evaluated: 2023-12-29. Review status: criteria provided, single submitter. Criteria: GeneDx Variant Classification Process June 2021. Collection method: clinical testing. Allele origin: germline. Affected: yes.
Comment: Reported in a patient with late onset muscle weakness, myalgia, and fatigue who also harbors an additional missense variant in the PNPLA2 gene (PMID: 25287355); In silico analysis supports that this missense variant has a deleterious effect on protein structure/function; Not observed at significant frequency in large population cohorts (gnomAD); This variant is associated with the following publications: (PMID: 21170305, 26922712, 25287355)

Literature cited by the submitters: PubMed 21170305 (cited by Labcorp Genetics (formerly Invitae), Labcorp); PubMed 25287355 (cited by Labcorp Genetics (formerly Invitae), Labcorp); PubMed 26922712 (cited by Labcorp Genetics (formerly Invitae), Labcorp); PubMed 22990388 (cited by Labcorp Genetics (formerly Invitae), Labcorp).

NM_020376.4(PNPLA2):c.497A>G (p.Asp166Gly)

Gene: PNPLA2 (patatin like domain 2, triacylglycerol lipase; plus strand). Cytogenetic location: 11p15.5.
Variant type: single nucleotide variant.
Coding change: c.497A>G on transcript NM_020376.4 (MANE Select); coding-DNA position 497, A replaced by G.
Protein change: p.Asp166Gly; replaces aspartic acid 166 with glycine.
Molecular consequence: missense variant.
Genome position (GRCh38, 1-based): chr11:822,407, A>G. VCF-style: chr11-822407-A-G. GRCh37 (hg19) VCF-style: chr11-822407-A-G.
Other names: c.497A>G (NM_020376.3); short protein forms D166G.
Identifiers: ClinVar variation 2136948 (VCV002136948.5), dbSNP rs121908832, ClinGen allele CA5791037.